The following is an entry in ClinVar:

NM_004787.4(SLIT2):c.1678T>C (p.Leu560=)

Gene: SLIT2 (slit guidance ligand 2; plus strand). Cytogenetic location: 4p15.31.
Variant type: single nucleotide variant.
Coding change: c.1678T>C on transcript NM_004787.4 (MANE Select); coding-DNA position 1678, T replaced by C.
Protein change: p.Leu560=; no amino-acid change (leucine 560 retained).
Molecular consequence: synonymous variant.
Genome position (GRCh38, 1-based): chr4:20,532,048, T>C. VCF-style: chr4-20532048-T-C. GRCh37 (hg19) VCF-style: chr4-20533671-T-C.
Other names: c.1666T>C, p.Leu556= (NM_001289135.3); c.1654T>C, p.Leu552= (NM_001289136.3); c.1678T>C (NM_004787.3).
Identifiers: ClinVar variation 2040594 (VCV002040594.6), dbSNP rs143141065, ClinGen allele CA2871567.

ClinVar aggregate classification (germline): Likely benign. Review status: criteria provided, single submitter (1 of 4 stars). 2 submissions from 2 submitters: Likely benign (1). 1 of the submissions does not count toward it. Last evaluated 2025-12-29.

Conditions:
SLIT2-related disorder. Also called: SLIT2-related condition.

Allele frequency attached by ClinVar (database versions not stated): gnomAD exomes 0.00002; ExAC 0.00007; ESP Exome Variant Server 0.00015; TOPMed 0.00029.
gnomAD v4.1: 137 of 1,561,556 alleles (0.0088%); highest among the groups gnomAD compares: African/African-American, 0.043%; 1 homozygote.

Submissions (2):

Labcorp Genetics (formerly Invitae), Labcorp
Classification: Likely benign. Last evaluated: 2025-12-29. Review status: criteria provided, single submitter. Criteria: Invitae Variant Classification Sherloc (09022015). Collection method: clinical testing. Allele origin: germline.

PreventionGenetics, part of Exact Sciences
Classification: Likely benign for SLIT2-related condition. Last evaluated: 2019-02-22. Review status: no assertion criteria provided. Collection method: clinical testing. Allele origin: germline. Not counted in ClinVar's aggregate classification.
Comment: This variant is classified as likely benign based on ACMG/AMP sequence variant interpretation guidelines (Richards et al. 2015 PMID: 25741868, with internal and published modifications).